The following is an entry in ClinVar:

NM_003070.5(SMARCA2):c.4359+6T>C

Gene: SMARCA2 (SWI/SNF related BAF chromatin remodeling complex subunit ATPase 2; plus strand). Cytogenetic location: 9p24.3.
Variant type: single nucleotide variant.
Coding change: c.4359+6T>C on transcript NM_003070.5 (MANE Select); 6 bases into the intron after coding-DNA position 4359, T replaced by C.
Molecular consequence: intron variant.
Genome position (GRCh38, 1-based): chr9:2,181,682, T>C. VCF-style: chr9-2181682-T-C. GRCh37 (hg19) VCF-style: chr9-2181682-T-C.
Other names: c.4305+6T>C (NM_139045.4); c.4131+6T>C (NM_001289397.2); c.4359+6T>C (NM_001289396.2); c.333+6T>C (NM_001289398.2); c.423+6T>C (NM_001289400.2); c.417+6T>C (NM_001289399.2).
Identifiers: ClinVar variation 2880434 (VCV002880434.3), dbSNP rs2537585146, ClinGen allele CA2689249628.

ClinVar aggregate classification (germline): Uncertain significance (1 of 4 stars; one submission).

Submission:

Labcorp Genetics (formerly Invitae), Labcorp
Classification: Uncertain significance. Last evaluated: 2024-05-04. Review status: criteria provided, single submitter. Criteria: Invitae Variant Classification Sherloc (09022015). Collection method: clinical testing. Allele origin: germline.
Comment: This sequence change falls in intron 30 of the SMARCA2 gene. It does not directly change the encoded amino acid sequence of the SMARCA2 protein. It affects a nucleotide within the consensus splice site. This variant is not present in population databases (gnomAD no frequency). This variant has not been reported in the literature in individuals affected with SMARCA2-related conditions. Variants that disrupt the consensus splice site are a relatively common cause of aberrant splicing (PMID: 17576681, 9536098). Algorithms developed to predict the effect of sequence changes on RNA splicing suggest that this variant is not likely to affect RNA splicing. In summary, the available evidence is currently insufficient to determine the role of this variant in disease. Therefore, it has been classified as a Variant of Uncertain Significance.

Literature cited by the submitters: PubMed 17576681; PubMed 9536098.